The following is an entry in ClinVar:

ClinVar aggregate classification (germline): Uncertain significance (1 of 4 stars; one submission).

Conditions:
Methylmalonic acidemia with homocystinuria, type cblX (MAHCX). Also called: INTELLECTUAL DEVELOPMENTAL DISORDER, X-LINKED 3. Identifiers: Orphanet 369962, MedGen C0796208, MONDO:0010657, OMIM 309541.

Submission:

Labcorp Genetics (formerly Invitae), Labcorp
Classification: Uncertain significance for Methylmalonic acidemia with homocystinuria, type cblX. Last evaluated: 2025-09-08. Review status: criteria provided, single submitter. Criteria: Invitae Variant Classification Sherloc (09022015). Collection method: clinical testing. Allele origin: germline.
Comment: This sequence change replaces valine, which is neutral and non-polar, with methionine, which is neutral and non-polar, at codon 269 of the HCFC1 protein (p.Val269Met). This variant is not present in population databases (gnomAD no frequency). This variant has not been reported in the literature in individuals affected with HCFC1-related conditions. ClinVar contains an entry for this variant (Variation ID: 3704194). Invitae Evidence Modeling of protein sequence and biophysical properties (such as structural, functional, and spatial information, amino acid conservation, physicochemical variation, residue mobility, and thermodynamic stability) indicates that this missense variant is expected to disrupt HCFC1 protein function with a positive predictive value of 80%. In summary, the available evidence is currently insufficient to determine the role of this variant in disease. Therefore, it has been classified as a Variant of Uncertain Significance.

NM_005334.3(HCFC1):c.805G>A (p.Val269Met)

Gene: HCFC1 (host cell factor C1; minus strand). Cytogenetic location: Xq28.
Variant type: single nucleotide variant.
Coding change: c.805G>A on transcript NM_005334.3 (MANE Select); coding-DNA position 805, G replaced by A.
Protein change: p.Val269Met; replaces valine 269 with methionine.
Molecular consequence: missense variant.
Genome position (GRCh38, 1-based): chrX:153,961,641, C>T on the plus strand (G>A on the coding strand, the complement: HCFC1 is on the minus strand). VCF-style: chrX-153961641-C-T. GRCh37 (hg19) VCF-style: chrX-153227092-C-T.
Other names: c.805G>A, p.Val269Met (NM_001410705.1); short protein forms V269M.
Identifiers: ClinVar variation 3704194 (VCV003704194.2).
Genomic context (GRCh38, chrX:153,961,641, plus strand): 5'-CCTTCTCGTGTGTGGCCACTTTGACGTCATCCATGACGAGAGGCACCCAGCCACCAAACA[C>T]GTACATTCTGGGAGTGAGGAGGGAAGAGTGGGAAAGGATTGTAGAGTTGGTGCCAAGCTA-3'
Protein context (NP_005325.2, residues 259-279): SATTIGNKMY[Val269Met]FGGWVPLVMD